The following is an entry in ClinVar:

ClinVar aggregate classification (germline): Pathogenic (1 of 4 stars; one submission).

Conditions:
Alstrom syndrome (ALMS). Identifiers: Orphanet 64, MedGen C0268425, MONDO:0008763, OMIM 203800.

Submission:

Labcorp Genetics (formerly Invitae), Labcorp
Classification: Pathogenic for Alstrom syndrome. Last evaluated: 2021-10-11. Review status: criteria provided, single submitter. Criteria: Invitae Variant Classification Sherloc (09022015). Collection method: clinical testing. Allele origin: germline.
Comment: For these reasons, this variant has been classified as Pathogenic. This variant has not been reported in the literature in individuals affected with ALMS1-related conditions. The frequency data for this variant in the population databases is considered unreliable, as metrics indicate insufficient coverage at this position in the ExAC database. This sequence change creates a premature translational stop signal (p.Glu28*) in the ALMS1 gene. It is expected to result in an absent or disrupted protein product. Loss-of-function variants in ALMS1 are known to be pathogenic (PMID: 17594715).

Literature cited by the submitters: PubMed 17594715.

NM_001378454.1(ALMS1):c.74_75insGGAGTA (p.Glu26_Glu27insTerGlu)

Gene: ALMS1 (ALMS1 centrosome and basal body associated protein; plus strand). Cytogenetic location: 2p13.1.
Variant type: Insertion.
Coding change: c.74_75insGGAGTA on transcript NM_001378454.1 (MANE Select); coding-DNA positions 74 to 75, GGAGTA inserted.
Protein change: p.Glu26_Glu27insTerGlu.
Molecular consequence: nonsense, inframe insertion.
Genome position: GRCh38 VCF-style: chr2-73385941-G-GAGGAGT. GRCh37 (hg19) VCF-style: chr2-73613069-G-GAGGAGT.
Other names: c.77_78insGGAGTA, p.Glu27_Glu28insTerGlu (NM_015120.4).
Identifiers: ClinVar variation 1412716 (VCV001412716.6), dbSNP rs1574423810, ClinGen allele CA2573135740.